The following is an entry in ClinVar:

ClinVar aggregate classification (germline): Uncertain significance (1 of 4 stars; one submission).

Conditions:
MELAS syndrome (MELAS). Also called: Juvenile myopathy, encephalopathy, lactic acidosis, stroke. Identifiers: Orphanet 550, MedGen C0162671, MONDO:0010789, OMIM 540000.

Submission:

3billion
Classification: Uncertain significance for MELAS syndrome. Last evaluated: 2025-08-05. Review status: criteria provided, single submitter. Criteria: ACMG Guidelines, 2015. Collection method: clinical testing. Allele origin: germline. Affected: yes.
Comment: The variant is not observed in the gnomAD v4.1.0 dataset. Predicted Consequence/Location: Mitochondrial variant In silico tool predictions suggest damaging effect of the variant on gene or gene product [APOGEE2: 0.79 (>= 0.716)]. The same nucleotide change resulting in the same amino acid change has been previously reported to be associated with MT-ND1-related disorder (Mitomap PMID: 34656796). Therefore, this variant is classified as VUS according to the recommendation of ACMG/AMP guideline.

Literature cited by the submitters: PubMed 34656796.

NC_012920.1(MT-ND1):m.3955G>A

Gene: MT-ND1 (mitochondrially encoded NADH dehydrogenase 1; plus strand).
Variant type: single nucleotide variant.
Genome position: chrM-3955-G-A.
Identifiers: ClinVar variation 4857764 (VCV004857764.1).